The following is an entry in ClinVar:

NM_007186.6(CEP250):c.6890G>A (p.Arg2297Gln)

Gene: CEP250 (centrosomal protein 250; plus strand). Cytogenetic location: 20q11.22.
Variant type: single nucleotide variant.
Coding change: c.6890G>A on transcript NM_007186.6 (MANE Select); coding-DNA position 6890, G replaced by A.
Protein change: p.Arg2297Gln; replaces arginine 2297 with glutamine.
Molecular consequence: missense variant.
Genome position (GRCh38, 1-based): chr20:35,508,174, G>A. VCF-style: chr20-35508174-G-A. GRCh37 (hg19) VCF-style: chr20-34096003-G-A.
Other names: c.4994G>A, p.Arg1665Gln (NM_001318219.1); short protein forms R1665Q, R2297Q.
Identifiers: ClinVar variation 2015507 (VCV002015507.2), dbSNP rs762253604, ClinGen allele CA9834176.

ClinVar aggregate classification (germline): Uncertain significance (1 of 4 stars; one submission).

Allele frequency attached by ClinVar (database versions not stated): TOPMed below 0.00001; gnomAD 0.00001; gnomAD exomes 0.00001; ExAC 0.00002.
gnomAD v4.1: 21 of 1,613,900 alleles (0.0013%); highest among the groups gnomAD compares: South Asian, 0.0055%; no homozygotes.

Submission:

Labcorp Genetics (formerly Invitae), Labcorp
Classification: Uncertain significance. Last evaluated: 2022-06-12. Review status: criteria provided, single submitter. Criteria: Invitae Variant Classification Sherloc (09022015). Collection method: clinical testing. Allele origin: germline.
Comment: This sequence change replaces arginine, which is basic and polar, with glutamine, which is neutral and polar, at codon 2297 of the CEP250 protein (p.Arg2297Gln). In summary, the available evidence is currently insufficient to determine the role of this variant in disease. Therefore, it has been classified as a Variant of Uncertain Significance. Algorithms developed to predict the effect of missense changes on protein structure and function are either unavailable or do not agree on the potential impact of this missense change (SIFT: "Not Available"; PolyPhen-2: "Benign"; Align-GVGD: "Not Available"). This variant has not been reported in the literature in individuals affected with CEP250-related conditions. This variant is present in population databases (rs762253604, gnomAD 0.006%).